The following is an entry in ClinVar:

NM_000155.4(GALT):c.835A>G (p.Met279Val)

Gene: GALT (galactose-1-phosphate uridylyltransferase; plus strand). Cytogenetic location: 9p13.3.
Variant type: single nucleotide variant.
Coding change: c.835A>G on transcript NM_000155.4 (MANE Select); coding-DNA position 835, A replaced by G.
Protein change: p.Met279Val; replaces methionine 279 with valine.
Molecular consequence: missense variant.
Genome position (GRCh38, 1-based): chr9:34,649,012, A>G. VCF-style: chr9-34649012-A-G. GRCh37 (hg19) VCF-style: chr9-34649009-A-G.
Other names: c.508A>G, p.Met170Val (NM_001258332.2); short protein forms M170V, M279V.
Identifiers: ClinVar variation 2989311 (VCV002989311.6), dbSNP rs754419297, ClinGen allele CA192670599.
Genomic context (GRCh38, chr9:34,649,012, plus strand): 5'-GGGTCAGCATCTGGACCCCAGGCTGAGAGTCAGGCTCTGATTCCAGATCTAGCCTCCATC[A>G]TGAAGAAGCTCTTGACCAAGTATGACAACCTCTTTGAGACGTCCTTTCCCTACTCCATGG-3'
Protein context (NP_000146.2, residues 269-289): PAERDDLASI[Met279Val]KKLLTKYDNL

ClinVar aggregate classification (germline): Conflicting classifications of pathogenicity. Review status: criteria provided, conflicting classifications (1 of 4 stars). 2 submissions from 2 submitters: Likely pathogenic (1); Uncertain significance (1). Last evaluated 2025-09-25.

Conditions:
Deficiency of UDPglucose-hexose-1-phosphate uridylyltransferase. Also called: GALT deficiency; Galactosemia, classic; Transferase Deficiency Galactosemia; GALACTOSEMIA I; GALACTOSE-1-PHOSPHATE URIDYLYLTRANSFERASE DEFICIENCY. Identifiers: Orphanet 352, Orphanet 79239, MedGen C0268151, MONDO:0009258, OMIM 230400.

Allele frequency attached by ClinVar (database versions not stated): gnomAD exomes below 0.00001.
gnomAD v4.1: 7 of 1,614,074 alleles (0.00043%); highest among the groups gnomAD compares: Non-Finnish European, 0.00051%; no homozygotes.

Submissions (2):

Women's Health and Genetics/Laboratory Corporation of America, LabCorp
Classification: Uncertain significance. Last evaluated: 2025-09-25. Review status: criteria provided, single submitter. Criteria: LabCorp Variant Classification Summary - May 2015. Collection method: clinical testing. Allele origin: germline.
Comment: Variant summary: GALT c.835A>G (p.Met279Val) results in a conservative amino acid change located in the Galactose-1-phosphate uridyl transferase, C-terminal (IPR005850) of the encoded protein sequence. Algorithms developed to predict the effect of missense changes on protein structure and function are either unavailable or do not agree on the potential impact of this missense change. The variant allele was found at a frequency of 4e-06 in 251494 control chromosomes. The available data on variant occurrences in the general population are insufficient to allow any conclusion about variant significance. These data do not allow any conclusion about variant significance. To our knowledge, no experimental evidence demonstrating an impact on protein function has been reported. ClinVar contains an entry for this variant (Variation ID: 2989311). Based on the evidence outlined above, the variant was classified as uncertain significance.

Labcorp Genetics (formerly Invitae), Labcorp
Classification: Likely pathogenic for Deficiency of UDPglucose-hexose-1-phosphate uridylyltransferase. Last evaluated: 2024-09-27. Review status: criteria provided, single submitter. Criteria: Invitae Variant Classification Sherloc (09022015). Collection method: clinical testing. Allele origin: germline.
Comment: This sequence change replaces methionine, which is neutral and non-polar, with valine, which is neutral and non-polar, at codon 279 of the GALT protein (p.Met279Val). This variant is present in population databases (rs754419297, gnomAD 0.0009%). This missense change has been observed in individual(s) with galactosemia (internal data). Invitae Evidence Modeling of protein sequence and biophysical properties (such as structural, functional, and spatial information, amino acid conservation, physicochemical variation, residue mobility, and thermodynamic stability) indicates that this missense variant is expected to disrupt GALT protein function with a positive predictive value of 95%. In summary, the currently available evidence indicates that the variant is pathogenic, but additional data are needed to prove that conclusively. Therefore, this variant has been classified as Likely Pathogenic.